The following is an entry in ClinVar:

ClinVar aggregate classification (germline): Uncertain significance. Review status: criteria provided, multiple submitters, no conflicts (2 of 4 stars). 3 submissions from 3 submitters: Uncertain significance (3). Last evaluated 2025-10-02.

Conditions:
Leukemia, acute lymphoblastic, susceptibility to, 3 (ALL3). Identifiers: MedGen C3809874, MONDO:0014241, OMIM 615545.
Inborn genetic diseases. Identifiers: MedGen C0950123, MeSH D030342.

Allele frequency attached by ClinVar (database versions not stated): TOPMed below 0.00001; gnomAD 0.00001; gnomAD exomes 0.00001 and 0.00004.
gnomAD v4.1: 61 of 1,607,176 alleles (0.0038%); highest among the groups gnomAD compares: Middle Eastern, 0.021%; no homozygotes.

Submissions (3):

Ambry Genetics
Classification: Uncertain significance for Inborn genetic diseases. Last evaluated: 2025-10-02. Review status: criteria provided, single submitter. Criteria: Ambry Variant Classification Scheme 2023. Collection method: clinical testing. Allele origin: germline.

Labcorp Genetics (formerly Invitae), Labcorp
Classification: Uncertain significance. Last evaluated: 2024-08-20. Review status: criteria provided, single submitter. Criteria: Invitae Variant Classification Sherloc (09022015). Collection method: clinical testing. Allele origin: germline.
Comment: This sequence change replaces proline, which is neutral and non-polar, with serine, which is neutral and polar, at codon 8 of the PAX5 protein (p.Pro8Ser). This variant is present in population databases (no rsID available, gnomAD 0.003%). This variant has not been reported in the literature in individuals affected with PAX5-related conditions. ClinVar contains an entry for this variant (Variation ID: 1691541). An algorithm developed to predict the effect of missense changes on protein structure and function (PolyPhen-2) suggests that this variant is likely to be tolerated. In summary, the available evidence is currently insufficient to determine the role of this variant in disease. Therefore, it has been classified as a Variant of Uncertain Significance.

St. Jude Molecular Pathology, St. Jude Children's Research Hospital
Classification: Uncertain significance for Leukemia, acute lymphoblastic, susceptibility to, 3. Last evaluated: 2022-05-23. Review status: criteria provided, single submitter. Criteria: St. Jude Assertion Criteria 2020. Collection method: clinical testing. Allele origin: germline.
Comment: The PAX5 c.22C>T (p.Pro8Ser) missense change has a maximum subpopulation frequency of 0.0027% in gnomAD v2.1.1. In silico tools are inconclusive about the effect of this variant on protein function, and to our knowledge functional assays have not been performed. In summary, this variant meets criteria to be classified as of uncertain significance based the ACMG/AMP guidelines: no criteria met.

NM_016734.3(PAX5):c.22C>T (p.Pro8Ser)

Gene: PAX5 (paired box 5; minus strand). Cytogenetic location: 9p13.2.
Variant type: single nucleotide variant.
Coding change: c.22C>T on transcript NM_016734.3 (MANE Select); coding-DNA position 22, C replaced by T.
Protein change: p.Pro8Ser; replaces proline 8 with serine.
Molecular consequence: missense variant. On other transcripts: non-coding transcript variant (2), 5 prime UTR variant (2).
Genome position (GRCh38, 1-based): chr9:37,034,010, G>A on the plus strand (C>T on the coding strand, the complement: PAX5 is on the minus strand). VCF-style: chr9-37034010-G-A. GRCh37 (hg19) VCF-style: chr9-37034007-G-A.
Other names: c.22C>T, p.Pro8Ser (NM_001280547.2, NM_001280548.2, NM_001280549.2 and 5 more transcripts); c.-137C>T (NM_001280551.2, NM_001280556.2); c.22C>T (NM_016734.1); short protein forms P8S.
Identifiers: ClinVar variation 1691541 (VCV001691541.8), dbSNP rs1466879183, ClinGen allele CA373486907.